The following is an entry in ClinVar:

NM_005259.3(MSTN):c.*395A>C

Genes: MSTN (myostatin; minus strand), C2orf88 (chromosome 2 open reading frame 88; plus strand). Cytogenetic location: 2q32.2.
Variant type: single nucleotide variant.
Coding change: c.*395A>C on transcript NM_005259.3 (MANE Select); 395 bases downstream of the stop codon, A replaced by C.
Molecular consequence: 3 prime UTR variant.
Genome position (GRCh38, 1-based): chr2:190,056,863, T>G on the plus strand (A>C on the coding strand, the complement: MSTN is on the minus strand). VCF-style: chr2-190056863-T-G. GRCh37 (hg19) VCF-style: chr2-190921589-T-G.
Other names: c.*395A>C (LRG_200t1).
Identifiers: ClinVar variation 333227 (VCV000333227.5), dbSNP rs16823986, ClinGen allele CA10612249.

ClinVar aggregate classification (germline): Benign (1 of 4 stars; one submission).

Conditions:
Myostatin-related muscle hypertrophy (MSLHP). Also called: MUSCLE HYPERTROPHY. Identifiers: Orphanet 275534, MedGen C2931112, MONDO:0013598, OMIM 614160.

Allele frequency attached by ClinVar (database versions not stated): gnomAD exomes 0.00251; gnomAD 0.03799 and 0.04058; TOPMed 0.04282; 1000 Genomes Project 0.04493; 1000 Genomes Project 30x 0.05122.
gnomAD v4.1: 5,890 of 214,186 alleles (2.7%); highest among the groups gnomAD compares: African/African-American, 13%; 382 homozygotes.

Submission:

Illumina Laboratory Services, Illumina
Classification: Benign for Myostatin-related muscle hypertrophy. Last evaluated: 2018-01-13. Review status: criteria provided, single submitter. Criteria: ICSL Variant Classification Criteria 13 December 2019. Collection method: clinical testing. Allele origin: germline.
Comment: This variant was observed in the ICSL laboratory as part of a predisposition screen in an ostensibly healthy population. It had not been previously curated by ICSL or reported in the Human Gene Mutation Database (HGMD: prior to June 1st, 2018), and was therefore a candidate for classification through an automated scoring system. Utilizing variant allele frequency, disease prevalence and penetrance estimates, and inheritance mode, an automated score was calculated to assess if this variant is too frequent to cause the disease. Based on the score and internal cut-off values, a variant classified as benign is not then subjected to further curation. The score for this variant resulted in a classification of benign for this disease.